The following is an entry in ClinVar:

ClinVar aggregate classification (germline): Pathogenic/Likely pathogenic. Review status: criteria provided, multiple submitters, no conflicts (2 of 4 stars). 8 submissions from 8 submitters: Pathogenic (5); Likely pathogenic (3). Last evaluated 2026-05-07.

Conditions:
Autosomal recessive Alport syndrome (ATS2). Also called: COL4A4 Alport Syndrome and Thin Basement Membrane Nephropathy; ALPORT SYNDROME 2, AUTOSOMAL RECESSIVE; Alport syndrome type 2; COL4A3-Related Nephropathy. Identifiers: Orphanet 63, Orphanet 88919, MedGen C4746745, MONDO:0008762, OMIM 203780.
Hematuria, benign familial, 1 (BFH1). Also called: THIN MEMBRANE NEPHROPATHY. Identifiers: MedGen CN376803, MONDO:0007709, OMIM 141200.
Alport syndrome. Also called: Hemorrhagic familial nephritis; Hemorrhagic hereditary nephritis; Congenital hereditary hematuria. Identifiers: Orphanet 63, MedGen C1567741, MONDO:0018965.
Autosomal dominant Alport syndrome (ATS3A). Also called: ALPORT SYNDROME 3A, AUTOSOMAL DOMINANT; Alport syndrome dominant type; Renal failure and sensorineural hearing loss. Identifiers: Orphanet 63, Orphanet 88918, MedGen C5882663, MONDO:0007086, OMIM 104200.
Benign familial hematuria. Also called: thin basement membrane disease. Identifiers: MedGen C0241908, MONDO:0957317.
COL4A4-related disorder.

Allele frequency attached by ClinVar (database versions not stated): gnomAD exomes below 0.00001; gnomAD 0.00001; TOPMed 0.00001.
gnomAD v4.1: 6 of 1,613,810 alleles (0.00037%); highest among the groups gnomAD compares: Non-Finnish European, 0.00051%; no homozygotes.

Submissions (8):

Centre de Génétique Humaine, Institut de Pathologie Et de Génétique
Classification: Likely pathogenic for Autosomal dominant Alport syndrome. Last evaluated: 2026-05-07. Review status: criteria provided, single submitter. Criteria: ACMG Guidelines, 2015. Collection method: clinical testing. Allele origin: germline. Inheritance: Autosomal dominant inheritance. Affected: yes. Observed: 1 variant allele, 1 heterozygote. Segregation with disease not observed.
Comment: This missense variant involves a highly conserved glycine located in a ‘Gly-X-Y’ motif in collagenous region, which is characteristic of the pathogenic variants identified in the COL4A4 gene (PM1,PP2). This variant is rare: allelic frequency of 0.00037% in gnomAD v4.1.0 database (PM2). In silico analysis supports that this missense variant has a deleterious effect (PP3). Described as LP/P in patients with AR/AD AS and TBMN (PP5)

Women's Health and Genetics/Laboratory Corporation of America, LabCorp
Classification: Likely pathogenic for Autosomal recessive Alport syndrome. Last evaluated: 2026-03-23. Review status: criteria provided, single submitter. Criteria: LabCorp Variant Classification Summary - May 2015. Collection method: clinical testing. Allele origin: germline.
Comment: Variant summary: COL4A4 c.2617G>A (p.Gly873Arg) results in a non-conservative amino acid change in the encoded protein sequence. Algorithms developed to predict the effect of missense changes on protein structure and function all suggest that this variant is likely to be disruptive. The variant was absent in 249422 control chromosomes. c.2617G>A has been observed in at-least 4 individuals affected with AD and AR Alport Syndrome (examples, Horinouchi_2020, Yuan_2023, internal data). These data indicate that the variant is likely to be associated with disease. To our knowledge, no experimental evidence demonstrating an impact on protein function has been reported. The following publications have been ascertained in the context of this evaluation (PMID: 35369551, 32939031, 36130833). ClinVar contains an entry for this variant (Variation ID: 970165). Based on the evidence outlined above, the variant was classified as likely pathogenic.

Natera, Inc.
Classification: Pathogenic for Alport syndrome. Last evaluated: 2025-08-25. Review status: criteria provided, single submitter. Criteria: Natera Variant Classification Schema (03/2026). Collection method: clinical testing. Allele origin: germline.
Comment: The c.2617G>A variant in COL4A4 is a missense variant predicted to cause substitution of glycine to arginine at amino acid 873. This variant is rare in the general population with a frequency below the threshold expected for the associated phenotype(s). This variant has been observed in one or more individuals affected with the associated recessive disease, as either homozygous or compound heterozygous with a second variant (PMID: 35369551). This variant has been observed in affected individual(s) with monoallelic occurrence (heterozygous/hemizygous) (PMID: 32939031, 38317457, 38262496). Additionally, this variant has been observed to segregate in affected family members (PMID: 5369551). This variant is located in a functionally critical region of the protein. Computational prediction algorithms indicate this variant is likely to affect gene or protein function. Given the available evidence, this variant is classified as Pathogenic.

Labcorp Genetics (formerly Invitae), Labcorp
Classification: Pathogenic. Last evaluated: 2025-08-11. Review status: criteria provided, single submitter. Criteria: Invitae Variant Classification Sherloc (09022015). Collection method: clinical testing. Allele origin: germline.
Comment: This sequence change replaces glycine, which is neutral and non-polar, with arginine, which is basic and polar, at codon 873 of the COL4A4 protein (p.Gly873Arg). This variant is not present in population databases (gnomAD no frequency). This missense change has been observed in individuals with autosomal dominant and autosomal recessive Alport syndrome (https//DOI 10.34067/KID.0000372019, internal data). ClinVar contains an entry for this variant (Variation ID: 970165). Invitae Evidence Modeling of protein sequence and biophysical properties (such as structural, functional, and spatial information, amino acid conservation, physicochemical variation, residue mobility, and thermodynamic stability) indicates that this missense variant is expected to disrupt COL4A4 protein function with a positive predictive value of 95%. For these reasons, this variant has been classified as Pathogenic.

MVZ Medizinische Genetik Mainz
Classification: Pathogenic for Autosomal recessive Alport syndrome. Last evaluated: 2024-10-09. Review status: criteria provided, single submitter. Criteria: UK Practice Guidelines For Variant Classification V4 01 2020. Collection method: clinical testing. Allele origin: germline. Inheritance: Autosomal dominant inheritance. Affected: yes. Observed: 1 variant allele.
Comment: ACMG Criteria: PM1_STR,PS4_MOD,PM2_SUP,PP1,PP3,PP4

Fulgent Genetics
Classification: Pathogenic for Hematuria, benign familial, 1; Autosomal recessive Alport syndrome. Last evaluated: 2024-02-10. Review status: criteria provided, single submitter. Criteria: ACMG Guidelines, 2015. Collection method: clinical testing. Allele origin: germline.

Blueprint Genetics
Classification: Likely pathogenic for COL4A4-related disorders. Last evaluated: 2019-11-13. Review status: criteria provided, single submitter. Criteria: ACMG Guidelines, 2015. Collection method: clinical testing. Allele origin: germline. Affected: yes. Observed: 1 variant allele.

Victorian Clinical Genetics Services, Murdoch Childrens Research Institute
Classification: Pathogenic for Hematuria, benign familial, 1. Last evaluated: 2018-12-18. Review status: criteria provided, single submitter. Criteria: ACMG Guidelines, 2015. Collection method: clinical testing. Allele origin: unknown. Affected: yes.
Comment: A heterozygous missense variant, NM_000092.4(COL4A4):c.2617G>A, has been identified in exon 30 of 48 of the COL4A4 gene. The variant is predicted to result in a major amino acid change from glycine to arginine at position 873 of the protein (NP_000083.3(COL4A4):p.(Gly873Arg)). The glycine residue at this position has very high conservation (100 vertebrates, UCSC), and is located within the collagen triple helical domain. In silico predictions for this variant are consistently pathogenic (Polyphen, SIFT, CADD, Mutation Taster). The variant is absent in the gnomAD population database. This variant has not been previously reported in clinical cases. Based on the information available at the time of curation, this variant has been classified as LIKELY PATHOGENIC.

Literature cited by the submitters: PubMed 35369551 (cited by 3 submitters); PubMed 32939031 (cited by 3 submitters); PubMed 36130833 (cited by Centre de Génétique Humaine, Institut de Pathologie Et de Génétique and Women's Health and Genetics/Laboratory Corporation of America, LabCorp); PubMed 38317457 (cited by Natera, Inc.); PubMed 38262496 (cited by Natera, Inc.); PubMed 5369551 (cited by Natera, Inc.).

NM_000092.5(COL4A4):c.2617G>A (p.Gly873Arg)

Gene: COL4A4 (collagen type IV alpha 4 chain; minus strand). Cytogenetic location: 2q36.3.
Variant type: single nucleotide variant.
Coding change: c.2617G>A on transcript NM_000092.5 (MANE Select); coding-DNA position 2617, G replaced by A.
Protein change: p.Gly873Arg; replaces glycine 873 with arginine.
Molecular consequence: missense variant.
Genome position (GRCh38, 1-based): chr2:227,056,044, C>T on the plus strand (G>A on the coding strand, the complement: COL4A4 is on the minus strand). VCF-style: chr2-227056044-C-T. GRCh37 (hg19) VCF-style: chr2-227920760-C-T.
Other names: p.(Gly873Arg); short protein forms G873R.
Identifiers: ClinVar variation 970165 (VCV000970165.18), dbSNP rs929684384, ClinGen allele CA66585148.